The following is an entry in ClinVar:

ClinVar aggregate classification (germline): Benign. Review status: criteria provided, multiple submitters, no conflicts (2 of 4 stars). 2 submissions from 2 submitters: Benign (2). Last evaluated 2018-06-19.

Allele frequency attached by ClinVar (database versions not stated): gnomAD 0.09012 and 0.09675; 1000 Genomes Project 0.09665; TOPMed 0.10167; 1000 Genomes Project 30x 0.10244.
gnomAD v4.1: 13,592 of 152,206 alleles (8.9%); highest among the groups gnomAD compares: African/African-American, 30%; 1,943 homozygotes.

Submissions (2):

GeneDx
Classification: Benign. Last evaluated: 2018-06-19. Review status: criteria provided, single submitter. Criteria: GeneDx Variant Classification (06012015). Collection method: clinical testing. Allele origin: germline. Affected: yes.
Comment: This variant is considered likely benign or benign based on one or more of the following criteria: it is a conservative change, it occurs at a poorly conserved position in the protein, it is predicted to be benign by multiple in silico algorithms, and/or has population frequency not consistent with disease.

Breakthrough Genomics
Classification: Benign. Review status: criteria provided, single submitter. Criteria: ACMG Guidelines, 2015. Collection method: not provided. Allele origin: germline. Inheritance: Autosomal recessive inheritance. Affected: yes.

NM_133642.5(LARGE1):c.408+247G>A

Gene: LARGE1 (LARGE xylosyl- and glucuronyltransferase 1; minus strand). Cytogenetic location: 22q12.3.
Variant type: single nucleotide variant.
Coding change: c.408+247G>A on transcript NM_133642.5 (MANE Select); 247 bases into the intron after coding-DNA position 408, G replaced by A.
Molecular consequence: intron variant.
Genome position (GRCh38, 1-based): chr22:33,650,120, C>T on the plus strand (G>A on the coding strand, the complement: LARGE1 is on the minus strand). VCF-style: chr22-33650120-C-T. GRCh37 (hg19) VCF-style: chr22-34046106-C-T.
Other names: c.408+247G>A (NM_001362953.2, NM_001362949.2, NM_001378627.1 and 7 more transcripts).
Identifiers: ClinVar variation 676968 (VCV000676968.2), dbSNP rs9621740, ClinGen allele CA323755333.
Genomic context (GRCh38, chr22:33,650,120, plus strand): 5'-AACCCTGCGCATGTCAAAATGAACCACATAGAAACAAGCGGTAGGTTCCATCAGTGAGCT[C>T]CTCTTAATATCTGTAGATTACGCCTTCTTATCCCCATTTTCAGATGGGAAAACAGAAGCT-3'